The following is an entry in ClinVar:

ClinVar aggregate classification (germline): Uncertain significance. Review status: criteria provided, multiple submitters, no conflicts (2 of 4 stars). 4 submissions from 4 submitters: Uncertain significance (4). Last evaluated 2025-10-29.

Conditions:
Polycystic kidney disease, adult type (PKD1). Also called: Polycystic Kidney Disease 1, Autosomal Dominant; Polycystic kidney disease 1; Polycystic kidney disease 1, severe; Polycystic Kidney, Autosomal Dominant; POLYCYSTIC KIDNEY DISEASE 1 WITH OR WITHOUT POLYCYSTIC LIVER DISEASE; POLYCYSTIC KIDNEY DISEASE, ADULT, TYPE I. Identifiers: MedGen C3149841, MONDO:0008263, OMIM 173900.

Allele frequency attached by ClinVar (database versions not stated): TOPMed 0.00002; gnomAD 0.00003.
gnomAD v4.1: 32 of 1,562,762 alleles (0.002%); highest among the groups gnomAD compares: Admixed American, 0.0057%; no homozygotes.

Submissions (4):

3billion
Classification: Uncertain significance for Polycystic kidney disease, adult type. Last evaluated: 2025-10-29. Review status: criteria provided, single submitter. Criteria: ACMG Guidelines, 2015. Collection method: clinical testing. Allele origin: germline. Affected: yes.
Comment: The variant is observed at an extremely low frequency in the gnomAD v4.1.0 dataset (total allele frequency: 0.002%). Predicted Consequence/Location: Missense variant In silico tool predictions suggest damaging effect of the variant on gene or gene product [3Cnet: 0.77 (> 0.75, sensitivity 0.96 and precision 0.92)]. A different missense change at the same codon (p.Arg3269Gln) have been reported to be associated with PKD1-related disorder (ClinVar ID: VCV003579071). However the evidence of pathogenicity is insufficient at this time. Therefore, this variant is classified as VUS according to the recommendation of ACMG/AMP guideline.

Fulgent Genetics
Classification: Uncertain significance for Polycystic kidney disease, adult type. Last evaluated: 2024-05-01. Review status: criteria provided, single submitter. Criteria: ACMG Guidelines, 2015. Collection method: clinical testing. Allele origin: germline.

MVZ Medizinische Genetik Mainz
Classification: Uncertain significance for Polycystic kidney disease, adult type. Last evaluated: 2023-12-21. Review status: criteria provided, single submitter. Criteria: UK Practice Guidelines For Variant Classification V4 01 2020. Collection method: clinical testing. Allele origin: germline. Inheritance: Autosomal dominant inheritance. Affected: yes. Observed: 2 variant alleles.
Comment: ACMG Criteria: PM2(SUP), PP3, PM5_SUP; Compound Heterozygote

Department of Pathology and Laboratory Medicine, Sinai Health System
Classification: Uncertain significance for Polycystic kidney disease, adult type. Last evaluated: 2022-04-20. Review status: criteria provided, single submitter. Criteria: ACMG Guidelines, 2015. Collection method: clinical testing. Allele origin: germline. Affected: yes.

NM_001009944.3(PKD1):c.9805C>T (p.Arg3269Trp)

Gene: PKD1 (polycystin 1, transient receptor potential channel interacting; minus strand). Cytogenetic location: 16p13.3.
Variant type: single nucleotide variant.
Coding change: c.9805C>T on transcript NM_001009944.3 (MANE Select); coding-DNA position 9805, C replaced by T.
Protein change: p.Arg3269Trp; replaces arginine 3269 with tryptophan.
Molecular consequence: missense variant.
Genome position (GRCh38, 1-based): chr16:2,099,979, G>A on the plus strand (C>T on the coding strand, the complement: PKD1 is on the minus strand). VCF-style: chr16-2099979-G-A. GRCh37 (hg19) VCF-style: chr16-2149980-G-A.
Other names: c.9805C>T, p.Arg3269Trp (NM_000296.4); short protein forms R3269W.
Identifiers: ClinVar variation 3066238 (VCV003066238.4), dbSNP rs980803513, ClinGen allele CA276773157.
Genomic context (GRCh38, chr16:2,099,979, plus strand): 5'-AGATGAGGAGAACGCAGCAGGTGGCCCTCTGGATGCGAGTGAAACGGCTACGAGGCGGCC[G>A]GTCCCATATGGAGAGCCAGATGTGCTTGTCAAAGAAGCCACGCTGCAGCTCAGCCACCAG-3'
Protein context (NP_001009944.3, residues 3259-3279): DKHIWLSIWD[Arg3269Trp]PPRSRFTRIQ